The following is an entry in ClinVar:

ClinVar aggregate classification (germline): Uncertain significance (1 of 4 stars; one submission).

Allele frequency attached by ClinVar (database versions not stated): gnomAD exomes below 0.00001.
gnomAD v4.1: 1 of 1,589,068 alleles (0.000063%); highest among the groups gnomAD compares: African/African-American, 0.0013%; no homozygotes.

Submission:

GeneDx
Classification: Uncertain significance. Last evaluated: 2022-10-31. Review status: criteria provided, single submitter. Criteria: GeneDx Variant Classification Process June 2021. Collection method: clinical testing. Allele origin: germline. Affected: yes.
Comment: Not observed at significant frequency in large population cohorts (gnomAD); In silico analysis supports that this missense variant does not alter protein structure/function; Has not been previously published as pathogenic or benign to our knowledge

NM_015335.5(MED13L):c.26C>T (p.Ala9Val)

Gene: MED13L (mediator complex subunit 13L; minus strand). Cytogenetic location: 12q24.21.
Variant type: single nucleotide variant.
Coding change: c.26C>T on transcript NM_015335.5 (MANE Select); coding-DNA position 26, C replaced by T.
Protein change: p.Ala9Val; replaces alanine 9 with valine.
Molecular consequence: missense variant.
Genome position (GRCh38, 1-based): chr12:116,277,106, G>A on the plus strand (C>T on the coding strand, the complement: MED13L is on the minus strand). VCF-style: chr12-116277106-G-A. GRCh37 (hg19) VCF-style: chr12-116714911-G-A.
Other names: short protein forms A9V.
Identifiers: ClinVar variation 2500582 (VCV002500582.1), dbSNP rs2500191509, ClinGen allele CA386927956.